The following is an entry in ClinVar:

NM_007327.4(GRIN1):c.1616C>A (p.Thr539Asn)

Gene: GRIN1 (glutamate ionotropic receptor NMDA type subunit 1; plus strand). Cytogenetic location: 9q34.3.
Variant type: single nucleotide variant.
Coding change: c.1616C>A on transcript NM_007327.4 (MANE Select); coding-DNA position 1616, C replaced by A.
Protein change: p.Thr539Asn; replaces threonine 539 with asparagine.
Molecular consequence: missense variant.
Genome position (GRCh38, 1-based): chr9:137,162,072, C>A. VCF-style: chr9-137162072-C-A. GRCh37 (hg19) VCF-style: chr9-140056524-C-A.
Other names: c.1616C>A, p.Thr539Asn (NM_000832.7, NM_021569.4); c.1679C>A, p.Thr560Asn (NM_001185090.2, NM_001185091.2); short protein forms T539N, T560N.
Identifiers: ClinVar variation 1314245 (VCV001314245.2), dbSNP rs2131296564, ClinGen allele CA375717518.

ClinVar aggregate classification (germline): Uncertain significance (1 of 4 stars; one submission).

Submission:

GeneDx
Classification: Uncertain significance. Last evaluated: 2021-04-01. Review status: criteria provided, single submitter. Criteria: GeneDx Variant Classification Process June 2021. Collection method: clinical testing. Allele origin: germline. Affected: yes.
Comment: Not observed in large population cohorts (Lek et al., 2016); In silico analysis supports that this missense variant has a deleterious effect on protein structure/function; Has not been previously published as pathogenic or benign to our knowledge